The following is an entry in ClinVar:

NM_000051.4(ATM):c.5496+1G>A

Gene: ATM (ATM serine/threonine kinase; plus strand). Cytogenetic location: 11q22.3.
Variant type: single nucleotide variant.
Coding change: c.5496+1G>A on transcript NM_000051.4 (MANE Select); the canonical splice donor site of the intron after coding-DNA position 5496, G replaced by A.
Molecular consequence: splice donor variant.
Genome position (GRCh38, 1-based): chr11:108,303,030, G>A. VCF-style: chr11-108303030-G-A. GRCh37 (hg19) VCF-style: chr11-108173757-G-A.
Other names: c.5496+1G>A (NM_001351834.2).
Identifiers: ClinVar variation 246256 (VCV000246256.14), dbSNP rs879254180, ClinGen allele CA10584350.

ClinVar aggregate classification (germline): Likely pathogenic. Review status: criteria provided, multiple submitters, no conflicts (2 of 4 stars). 3 submissions from 3 submitters: Likely pathogenic (3). Last evaluated 2025-04-10.

Conditions:
Hereditary cancer-predisposing syndrome. Also called: Neoplastic Syndromes, Hereditary; Tumor predisposition; Hereditary neoplastic syndrome; Hereditary Cancer Syndrome. Identifiers: Orphanet 140162, MedGen C0027672, MeSH D009386, MONDO:0015356.
Ataxia-telangiectasia syndrome (AT). Also called: Cerebello-oculocutaneous telangiectasia; Immunodeficiency with ataxia telangiectasia; Ataxia-telangiectasia; Ataxia telangiectasia (A-T); LOUIS-BAR SYNDROME; Ataxia-telangiectasia, complementation group D. Identifiers: Orphanet 100, MedGen C0004135, MONDO:0008840, OMIM 208900.

Submissions (3):

Ambry Genetics
Classification: Likely pathogenic for Hereditary cancer-predisposing syndrome. Last evaluated: 2025-04-10. Review status: criteria provided, single submitter. Criteria: Ambry Variant Classification Scheme 2023. Collection method: clinical testing. Allele origin: germline.
Comment: The c.5496+1G>A intronic variant results from a G to A substitution one nucleotide after coding exon 35 of the ATM gene. This nucleotide position is highly conserved in available vertebrate species. In silico splice site analysis predicts that this alteration will weaken the native splice donor site.; however, direct evidence is insufficient at this time (Ambry internal data). Alterations that disrupt the canonical splice site are expected to cause aberrant splicing, resulting in an abnormal protein or a transcript that is subject to nonsense-mediated mRNA decay. As such, this alteration is classified as likely pathogenic.

Labcorp Genetics (formerly Invitae), Labcorp
Classification: Likely pathogenic for Ataxia-telangiectasia syndrome. Last evaluated: 2019-12-16. Review status: criteria provided, single submitter. Criteria: Invitae Variant Classification Sherloc (09022015). Collection method: clinical testing. Allele origin: germline.
Comment: This variant has not been reported in the literature in individuals with ATM-related conditions. ClinVar contains an entry for this variant (Variation ID: 246256). This sequence change affects a donor splice site in intron 36 of the ATM gene. It is expected to disrupt RNA splicing and likely results in an absent or disrupted protein product. This variant is not present in population databases (ExAC no frequency). Algorithms developed to predict the effect of sequence changes on RNA splicing suggest that this variant may disrupt the consensus splice site, but this prediction has not been confirmed by published transcriptional studies. Donor and acceptor splice site variants typically lead to a loss of protein function (PMID: 16199547), and loss-of-function variants in ATM are known to be pathogenic (PMID: 23807571, 25614872). In summary, the currently available evidence indicates that the variant is pathogenic, but additional data are needed to prove that conclusively. Therefore, this variant has been classified as Likely Pathogenic.

GeneDx
Classification: Likely pathogenic. Last evaluated: 2015-12-23. Review status: criteria provided, single submitter. Criteria: GeneDx Variant Classification (06012015). Collection method: clinical testing. Allele origin: germline. Affected: yes.
Comment: This variant is denoted ATM c.5496+1G>A or IVS36+1G>A and consists of a G>A nucleotide substitution at the +1 position of intron 36 of the ATM gene. This variant destroys a canonical splice donor site and is predicted to cause abnormal gene splicing, leading to either an abnormal message that is subject to nonsense-mediated mRNA decay or to an abnormal protein product. This variant has not, to our knowledge, been published in the literature. Based on the currently available information, we consider ATM c.5496+1G>A to be a likely pathogenic variant.

Literature cited by the submitters: PubMed 16199547 (cited by Labcorp Genetics (formerly Invitae), Labcorp); PubMed 23807571 (cited by Labcorp Genetics (formerly Invitae), Labcorp); PubMed 25614872 (cited by Labcorp Genetics (formerly Invitae), Labcorp).